The following is an entry in ClinVar:

NM_001360016.2(G6PD):c.403A>C (p.Asn135His)

Gene: G6PD (glucose-6-phosphate dehydrogenase; minus strand). Cytogenetic location: Xq28.
Variant type: single nucleotide variant.
Coding change: c.403A>C on transcript NM_001360016.2 (MANE Select); coding-DNA position 403, A replaced by C.
Protein change: p.Asn135His; replaces asparagine 135 with histidine.
Molecular consequence: missense variant.
Genome position (GRCh38, 1-based): chrX:154,535,250, T>G on the plus strand (A>C on the coding strand, the complement: G6PD is on the minus strand). VCF-style: chrX-154535250-T-G. GRCh37 (hg19) VCF-style: chrX-153763465-T-G.
Other names: c.493A>C, p.Asn165His (NM_000402.4); c.403A>C, p.Asn135His (NM_001042351.3); short protein forms N135H, N165H.
Identifiers: ClinVar variation 3660066 (VCV003660066.2).

ClinVar aggregate classification (germline): Likely pathogenic (1 of 4 stars; one submission).

Conditions:
Anemia, nonspherocytic hemolytic, due to G6PD deficiency (CNSHA1). Also called: Hemolytic anemia due to G6PD deficiency; ANEMIA, CONGENITAL, NONSPHEROCYTIC HEMOLYTIC, 1; Class I glucose-6-phosphate dehydrogenase deficiency; Favism, susceptibility to. Identifiers: Orphanet 466026, MedGen C2720289, MONDO:0010480, OMIM 300908.

Submission:

Labcorp Genetics (formerly Invitae), Labcorp
Classification: Likely pathogenic for Anemia, nonspherocytic hemolytic, due to G6PD deficiency. Last evaluated: 2024-07-21. Review status: criteria provided, single submitter. Criteria: Invitae Variant Classification Sherloc (09022015). Collection method: clinical testing. Allele origin: germline.
Comment: This sequence change replaces asparagine, which is neutral and polar, with histidine, which is basic and polar, at codon 135 of the G6PD protein (p.Asn135His). This variant is not present in population databases (gnomAD no frequency). This variant has not been reported in the literature in individuals affected with G6PD-related conditions. Advanced modeling of protein sequence and biophysical properties (such as structural, functional, and spatial information, amino acid conservation, physicochemical variation, residue mobility, and thermodynamic stability) performed at Invitae indicates that this missense variant is expected to disrupt G6PD protein function with a positive predictive value of 95%. This variant disrupts the p.Asn135 amino acid residue in G6PD. Other variant(s) that disrupt this residue have been determined to be pathogenic (PMID: 22906837, 27519946). This suggests that this residue is clinically significant, and that variants that disrupt this residue are likely to be disease-causing. In summary, the currently available evidence indicates that the variant is pathogenic, but additional data are needed to prove that conclusively. Therefore, this variant has been classified as Likely Pathogenic.

Literature cited by the submitters: PubMed 22906837; PubMed 27519946.